The following is an entry in ClinVar:

NM_000203.5(IDUA):c.1938del (p.Pro648fs)

Gene: IDUA (alpha-L-iduronidase; plus strand). Cytogenetic location: 4p16.3.
Variant type: Deletion.
Coding change: c.1938del on transcript NM_000203.5 (MANE Select); coding-DNA position 1938, one base deleted (G; older notation c.1938delG).
Protein change: p.Pro648fs; shifts the reading frame from proline 648.
Molecular consequence: frameshift variant. On other transcripts: non-coding transcript variant (1).
Genome position (GRCh38, 1-based): chr4:1,004,369, G deleted; the last of 3 consecutive G bases (chr4:1,004,367-1,004,369); deleting any one gives the same sequence. VCF-style (leftmost placement, unchanged base first): chr4-1004366-AG-A. GRCh37 (hg19) VCF-style: chr4-998154-AG-A.
Other names: c.1542del, p.Pro516fs (NM_001363576.1); short protein forms P648fs, P516fs.
Identifiers: ClinVar variation 1949466 (VCV001949466.2), dbSNP rs570293502, ClinGen allele CA2802478.

ClinVar aggregate classification (germline): Uncertain significance (1 of 4 stars; one submission).

Conditions:
Mucopolysaccharidosis type 1. Also called: IDUA deficiency; MPS I. Identifiers: Orphanet 579, MedGen C0023786, MONDO:0001586.

Submission:

Labcorp Genetics (formerly Invitae), Labcorp
Classification: Uncertain significance for Mucopolysaccharidosis type 1. Last evaluated: 2022-09-13. Review status: criteria provided, single submitter. Criteria: Invitae Variant Classification Sherloc (09022015). Collection method: clinical testing. Allele origin: germline.
Comment: This sequence change results in a frameshift in the IDUA gene (p.Pro648Hisfs*). While this is not anticipated to result in nonsense mediated decay, it is expected to disrupt the last 6 amino acid(s) of the IDUA protein and extend the protein by an uncertain number of additional amino acid residues. This variant is present in population databases (rs570293502, gnomAD 0.006%). This variant has not been reported in the literature in individuals affected with IDUA-related conditions. Experimental studies and prediction algorithms are not available or were not evaluated, and the functional significance of this variant is currently unknown. In summary, the available evidence is currently insufficient to determine the role of this variant in disease. Therefore, it has been classified as a Variant of Uncertain Significance.